The following is an entry in ClinVar:

ClinVar aggregate classification (germline): Uncertain significance (1 of 4 stars; one submission).

Conditions:
DYRK1A-related intellectual disability syndrome (MRD7). Also called: Intellectual developmental disorder, autosomal dominant 7; DYRK1A Syndrome. Identifiers: Orphanet 464306, MedGen C5568143, MONDO:0013578, OMIM 614104.

Allele frequency attached by ClinVar (database versions not stated): gnomAD exomes below 0.00001.

Submission:

Labcorp Genetics (formerly Invitae), Labcorp
Classification: Uncertain significance for DYRK1A-related intellectual disability syndrome. Last evaluated: 2019-04-06. Review status: criteria provided, single submitter. Criteria: Invitae Variant Classification Sherloc (09022015). Collection method: clinical testing. Allele origin: germline.
Comment: Algorithms developed to predict the effect of missense changes on protein structure and function are either unavailable or do not agree on the potential impact of this missense change (SIFT: "Deleterious"; PolyPhen-2: "Benign"; Align-GVGD: "Class C0"). In summary, the available evidence is currently insufficient to determine the role of this variant in disease. Therefore, it has been classified as a Variant of Uncertain Significance. This variant has not been reported in the literature in individuals with DYRK1A-related conditions. This variant is not present in population databases (ExAC no frequency). This sequence change replaces valine with isoleucine at codon 174 of the DYRK1A protein (p.Val174Ile). The valine residue is highly conserved and there is a small physicochemical difference between valine and isoleucine.

NM_001347721.2(DYRK1A):c.493G>A (p.Val165Ile)

Gene: DYRK1A (dual specificity tyrosine phosphorylation regulated kinase 1A; plus strand). Cytogenetic location: 21q22.13.
Variant type: single nucleotide variant.
Coding change: c.493G>A on transcript NM_001347721.2 (MANE Select); coding-DNA position 493, G replaced by A.
Protein change: p.Val165Ile; replaces valine 165 with isoleucine.
Molecular consequence: missense variant.
Genome position (GRCh38, 1-based): chr21:37,486,470, G>A. VCF-style: chr21-37486470-G-A. GRCh37 (hg19) VCF-style: chr21-38858772-G-A.
Other names: c.493G>A, p.Val165Ile (NM_001347722.2, NM_130436.2); c.406G>A, p.Val136Ile (NM_001347723.2); c.520G>A, p.Val174Ile (NM_001396.5, NM_101395.2, NM_130438.2); short protein forms V165I, V174I, V136I.
Identifiers: ClinVar variation 949237 (VCV000949237.10), dbSNP rs2052870219, ClinGen allele CA409945518.
Genomic context (GRCh38, chr21:37,486,470, plus strand): 5'-ATTATTGTGAAATTTTTGCAATTAATGAAATAGAGAATTATTCATCTTCTCTTTTAGGTT[G>A]TAAAGGCATATGATCGTGTGGAGCAAGAATGGGTTGCCATTAAAATAATAAAGAACAAGA-3'
Protein context (NP_001334650.1, residues 155-175): LIGKGSFGQV[Val165Ile]KAYDRVEQEW